The following is an entry in ClinVar:

NM_006922.4(SCN3A):c.5778C>G (p.Asn1926Lys)

Gene: SCN3A (sodium voltage-gated channel alpha subunit 3; minus strand). Cytogenetic location: 2q24.3.
Variant type: single nucleotide variant.
Coding change: c.5778C>G on transcript NM_006922.4 (MANE Select); coding-DNA position 5778, C replaced by G.
Protein change: p.Asn1926Lys; replaces asparagine 1926 with lysine.
Molecular consequence: missense variant.
Genome position (GRCh38, 1-based): chr2:165,090,375, G>C on the plus strand (C>G on the coding strand, the complement: SCN3A is on the minus strand). VCF-style: chr2-165090375-G-C. GRCh37 (hg19) VCF-style: chr2-165946885-G-C.
Other names: c.5631C>G, p.Asn1877Lys (NM_001081676.2, NM_001081677.2); short protein forms N1877K, N1926K.
Identifiers: ClinVar variation 1946323 (VCV001946323.5), dbSNP rs762432345, ClinGen allele CA349009721.
Genomic context (GRCh38, chr2:165,090,375, plus strand): 5'-AATAATCATGTCTTGTTTTATAGGTAAGTCAATCCTCCCTTTAATTGCCTCTTTGTTATA[G>C]TTACTTGATATATTTTTTAACCTTTGCTTTAAAAGATAACATCTGAAATTACGCTGAATG-3'
Protein context (NP_008853.3, residues 1916-1936): LKQRLKNISS[Asn1926Lys]YNKEAIKGRI

ClinVar aggregate classification (germline): Uncertain significance (1 of 4 stars; one submission).

Submission:

Labcorp Genetics (formerly Invitae), Labcorp
Classification: Uncertain significance. Last evaluated: 2022-07-19. Review status: criteria provided, single submitter. Criteria: Invitae Variant Classification Sherloc (09022015). Collection method: clinical testing. Allele origin: germline.
Comment: In summary, the available evidence is currently insufficient to determine the role of this variant in disease. Therefore, it has been classified as a Variant of Uncertain Significance. Algorithms developed to predict the effect of sequence changes on RNA splicing suggest that this variant may create or strengthen a splice site. Algorithms developed to predict the effect of missense changes on protein structure and function output the following: SIFT: "Tolerated"; PolyPhen-2: "Benign"; Align-GVGD: "Class C0". The lysine amino acid residue is found in multiple mammalian species, which suggests that this missense change does not adversely affect protein function. This variant has not been reported in the literature in individuals affected with SCN3A-related conditions. This variant is not present in population databases (gnomAD no frequency). This sequence change replaces asparagine, which is neutral and polar, with lysine, which is basic and polar, at codon 1926 of the SCN3A protein (p.Asn1926Lys).